The following is an entry in ClinVar:

ClinVar aggregate classification (germline): Likely benign (0 of 4 stars; one submission).

Conditions:
GRIP1-related disorder. Also called: GRIP1-related condition.

Submission:

PreventionGenetics, part of Exact Sciences
Classification: Likely benign for GRIP1-related condition. Last evaluated: 2021-11-11. Review status: no assertion criteria provided. Collection method: clinical testing. Allele origin: germline.
Comment: This variant is classified as likely benign based on ACMG/AMP sequence variant interpretation guidelines (Richards et al. 2015 PMID: 25741868, with internal and published modifications).

NM_001366722.1(GRIP1):c.*1260_*1261dup

Gene: GRIP1 (glutamate receptor interacting protein 1; minus strand). Cytogenetic location: 12q14.3.
Variant type: Duplication.
Coding change: c.*1260_*1261dup on transcript NM_001366722.1 (MANE Select); 1260 bases downstream of the stop codon through 1261 bases downstream of the stop codon, 2 bases duplicated (AA; older notation c.*1260_*1261dupAA).
Molecular consequence: 3 prime UTR variant.
Genome position (GRCh38, 1-based): chr12:66,347,758-66,347,759, TT duplicated on the plus strand (AA on the coding strand, the reverse complement: GRIP1 is on the minus strand); duplicating any 2 consecutive bases within chr12:66,347,758-66,347,767 gives the same sequence; the c. name uses the placement nearest the transcript's 3' end. VCF-style (leftmost placement, unchanged base first): chr12-66347757-A-ATT. GRCh37 (hg19) VCF-style: chr12-66741537-A-ATT.
Other names: c.*1260_*1261dup (NM_001178074.2, NM_001366723.1, NM_001366724.1 and 7 more transcripts).
Identifiers: ClinVar variation 3029431 (VCV003029431.2), dbSNP rs35499444, ClinGen allele CA605389982.